The following is an entry in ClinVar:

ClinVar aggregate classification (germline): Likely benign (1 of 4 stars; one submission).

gnomAD v4.1: 6 of 1,533,496 alleles (0.00039%); highest among the groups gnomAD compares: East Asian, 0.0098%; no homozygotes.

Submission:

CeGaT Center for Human Genetics Tuebingen
Classification: Likely benign. Last evaluated: 2025-01-01. Review status: criteria provided, single submitter. Criteria: CeGaT Center For Human Genetics Tuebingen Variant Classification Criteria Version 2. Collection method: clinical testing. Allele origin: germline. Affected: yes. Observed: 1 variant allele.
Comment: FBRSL1: BP4, BP7

NM_001367871.1(FBRSL1):c.1038G>A (p.Gly346=)

Gene: FBRSL1 (fibrosin like 1; plus strand). Cytogenetic location: 12q24.33.
Variant type: single nucleotide variant.
Coding change: c.1038G>A on transcript NM_001367871.1 (MANE Select); coding-DNA position 1038, G replaced by A.
Protein change: p.Gly346=; no amino-acid change (glycine 346 retained).
Molecular consequence: synonymous variant.
Genome position (GRCh38, 1-based): chr12:132,570,365, G>A. VCF-style: chr12-132570365-G-A. GRCh37 (hg19) VCF-style: chr12-133146951-G-A.
Other names: c.1038G>A, p.Gly346= (NM_001142641.2, NM_001382739.1, NM_001382740.1).
Identifiers: ClinVar variation 3772332 (VCV003772332.13).
Genomic context (GRCh38, chr12:132,570,365, plus strand): 5'-CTGGCAGGCACTGAGCCCCGTGTCCCGCAGCAGGAGCAGCAGCGCCCCCCTGGGCCTGGG[G>A]AAGCACGTGTCGCTGTCGCCACACGGGCCGGGCCCCCACCTGTCTACCTCACACCTGGCG-3'
Protein context (NP_001354800.1, residues 336-356): SRSSSAPLGL[Gly346=]KHVSLSPHGP